The following is an entry in ClinVar:

ClinVar aggregate classification (germline): Pathogenic. Review status: criteria provided, single submitter (1 of 4 stars). 3 submissions from 3 submitters: Pathogenic (1). 2 of the submissions do not count toward it. Last evaluated 2024-05-14.

Conditions:
Glycogen storage disease, type IV (GSD4). Also called: GBE1 DEFICIENCY; GLYCOGEN BRANCHING ENZYME DEFICIENCY; GLYCOGENOSIS IV; GSD IV; Glycogen storage disease due to glycogen branching enzyme deficiency; AMYLOPECTINOSIS. Identifiers: Orphanet 367, MedGen C0017923, MONDO:0009292, OMIM 232500.
Glycogen storage disease due to glycogen branching enzyme deficiency, congenital neuromuscular form. Also called: GSD IV, NEUROMUSCULAR FORM, CONGENITAL; GLYCOGEN STORAGE DISEASE IV, CONGENITAL NEUROMUSCULAR. Identifiers: Orphanet 308670, MedGen C1856304, MONDO:0017698.

Submissions (3):

Myriad Genetics, Inc.
Classification: Pathogenic for Glycogen storage disease, type IV. Last evaluated: 2024-05-14. Review status: criteria provided, single submitter. Criteria: Myriad Autosomal Dominant, Autosomal Recessive and X-Linked Classification Criteria (2023). Collection method: clinical testing. Allele origin: unknown.
Comment: NM_000158.3(GBE1):c.1774G>T(E592*) is expected to be pathogenic in the context of glycogen storage disease, GBE1-related. This variant is predicted to lead to an abnormal or absent protein product due to the creation of a premature termination codon in GBE1, a gene where loss-of-function variants are known to be pathogenic. Please note: this variant was assessed in the context of healthy population screening.

GeneReviews
Classification: Pathogenic for Adult Polyglucosan Body Disease. Last evaluated: 2009-04-02. Review status: no assertion criteria provided. Collection method: curation. Allele origin: unknown. Not counted in ClinVar's aggregate classification.
ClinVar note: Converted during submission from pathologic to Pathogenic.

OMIM
Classification: Pathogenic for GLYCOGEN STORAGE DISEASE IV, CONGENITAL NEUROMUSCULAR. Last evaluated: 2004-09-28. Review status: no assertion criteria provided. Collection method: literature only. Allele origin: germline. Not counted in ClinVar's aggregate classification.

Literature cited by the submitters: PubMed 15452297 (cited by OMIM).

NM_000158.4(GBE1):c.1774G>T (p.Glu592Ter)

Gene: GBE1 (1,4-alpha-glucan branching enzyme 1; minus strand). Cytogenetic location: 3p12.2.
Variant type: single nucleotide variant.
Coding change: c.1774G>T on transcript NM_000158.4 (MANE Select); coding-DNA position 1774, G replaced by T.
Protein change: p.Glu592Ter; replaces glutamic acid 592 with a stop codon.
Molecular consequence: nonsense.
Genome position (GRCh38, 1-based): chr3:81,536,940, C>A on the plus strand (G>T on the coding strand, the complement: GBE1 is on the minus strand). VCF-style: chr3-81536940-C-A. GRCh37 (hg19) VCF-style: chr3-81586091-C-A.
Other names: c.1774G>T; short protein forms E592*.
Identifiers: ClinVar variation 2786 (VCV000002786.6), dbSNP rs137852890, ClinGen allele CA115758.